The following is an entry in ClinVar:

ClinVar aggregate classification (germline): Uncertain significance. Review status: criteria provided, multiple submitters, no conflicts (2 of 4 stars). 3 submissions from 3 submitters: Uncertain significance (3). Last evaluated 2025-01-23.

Conditions:
Inborn genetic diseases. Identifiers: MedGen C0950123, MeSH D030342.

Allele frequency attached by ClinVar (database versions not stated): gnomAD 0.00001; gnomAD exomes 0.00001; TOPMed 0.00001.
gnomAD v4.1: 4 of 1,613,254 alleles (0.00025%); highest among the groups gnomAD compares: African/African-American, 0.0027%; no homozygotes.

Submissions (3):

Ambry Genetics
Classification: Uncertain significance for Inborn genetic diseases. Last evaluated: 2025-01-23. Review status: criteria provided, single submitter. Criteria: Ambry Variant Classification Scheme 2023. Collection method: clinical testing. Allele origin: germline.

Labcorp Genetics (formerly Invitae), Labcorp
Classification: Uncertain significance. Last evaluated: 2024-08-18. Review status: criteria provided, single submitter. Criteria: Invitae Variant Classification Sherloc (09022015). Collection method: clinical testing. Allele origin: germline.
Comment: This sequence change replaces methionine, which is neutral and non-polar, with threonine, which is neutral and polar, at codon 680 of the COL10A1 protein (p.Met680Thr). This variant is present in population databases (no rsID available, gnomAD 0.007%). This variant has not been reported in the literature in individuals affected with COL10A1-related conditions. ClinVar contains an entry for this variant (Variation ID: 597509). Invitae Evidence Modeling of protein sequence and biophysical properties (such as structural, functional, and spatial information, amino acid conservation, physicochemical variation, residue mobility, and thermodynamic stability) has been performed for this missense variant. However, the output from this modeling did not meet the statistical confidence thresholds required to predict the impact of this variant on COL10A1 protein function. In summary, the available evidence is currently insufficient to determine the role of this variant in disease. Therefore, it has been classified as a Variant of Uncertain Significance.

Eurofins Ntd Llc (ga)
Classification: Uncertain significance. Last evaluated: 2018-06-18. Review status: criteria provided, single submitter. Criteria: EGL ClinVar v180209 classification definitions. Collection method: clinical testing. Allele origin: germline. Observed: 1 variant allele, 1 heterozygote.

NM_000493.4(COL10A1):c.2039T>C (p.Met680Thr)

Genes: COL10A1 (collagen type X alpha 1 chain; minus strand), NT5DC1 (5'-nucleotidase domain containing 1; plus strand). Cytogenetic location: 6q22.1.
Variant type: single nucleotide variant.
Coding change: c.2039T>C on transcript NM_000493.4 (MANE Select); coding-DNA position 2039, T replaced by C.
Protein change: p.Met680Thr; replaces methionine 680 with threonine.
Molecular consequence: missense variant. On other transcripts: intron variant (1).
Genome position (GRCh38, 1-based): chr6:116,120,077, A>G on the plus strand (T>C on the coding strand, the complement: COL10A1 is on the minus strand). VCF-style: chr6-116120077-A-G. GRCh37 (hg19) VCF-style: chr6-116441240-A-G.
Other names: c.2039T>C, p.Met680Thr (NM_001424106.1, NM_001424107.1); c.529+2132A>G (NM_152729.3); c.2039T>C (NM_000493.3); short protein forms M680T.
Identifiers: ClinVar variation 597509 (VCV000597509.13), dbSNP rs751369649, ClinGen allele CA365386153.